The following is an entry in ClinVar:

NM_033056.4(PCDH15):c.4976A>G (p.Asp1659Gly)

Gene: PCDH15 (protocadherin related 15; minus strand). Cytogenetic location: 10q21.1.
Variant type: single nucleotide variant.
Coding change: c.4976A>G on transcript NM_033056.4 (MANE Plus Clinical); coding-DNA position 4976, A replaced by G.
Protein change: p.Asp1659Gly; replaces aspartic acid 1659 with glycine.
Molecular consequence: missense variant. On other transcripts: intron variant (8).
Genome position (GRCh38, 1-based): chr10:53,822,750, T>C on the plus strand (A>G on the coding strand, the complement: PCDH15 is on the minus strand). VCF-style: chr10-53822750-T-C. GRCh37 (hg19) VCF-style: chr10-55582510-T-C.
Other names: c.4997A>G, p.Asp1666Gly (NM_001142763.2); c.4982A>G, p.Asp1661Gly (NM_001142764.2); c.4769A>G, p.Asp1590Gly (NM_001142765.2); c.4967A>G, p.Asp1656Gly (NM_001142766.2); c.4856A>G, p.Asp1619Gly (NM_001142767.2); c.4916A>G, p.Asp1639Gly (NM_001142768.2); c.4907A>G, p.Asp1636Gly (NM_001142773.2); c.4910A>G, p.Asp1637Gly (NM_001354404.2); and 6 more; short protein forms D1619G, D1637G, D1659G, D1590G, D1636G, D1639G, D1656G, D1661G.
Identifiers: ClinVar variation 1356270 (VCV001356270.9), dbSNP rs754402677, ClinGen allele CA5505144.

ClinVar aggregate classification (germline): Uncertain significance. Review status: criteria provided, multiple submitters, no conflicts (2 of 4 stars). 4 submissions from 4 submitters: Uncertain significance (4). Last evaluated 2025-11-25.

Conditions:
Inborn genetic diseases. Identifiers: MedGen C0950123, MeSH D030342.

Allele frequency attached by ClinVar (database versions not stated): ExAC 0.00003; gnomAD exomes 0.00006; TOPMed 0.00003; gnomAD 0.00003.
gnomAD v4.1: 197 of 1,613,740 alleles (0.012%); highest among the groups gnomAD compares: Non-Finnish European, 0.016%; 1 homozygote.

Submissions (4):

GeneDx
Classification: Uncertain significance. Last evaluated: 2025-11-25. Review status: criteria provided, single submitter. Criteria: GeneDx Variant Classification Process June 2021. Collection method: clinical testing. Allele origin: germline. Affected: yes.
Comment: In silico analysis suggests that this missense variant does not alter protein structure/function; Has not been previously published as pathogenic or benign to our knowledge

Ambry Genetics
Classification: Uncertain significance for Inborn genetic diseases. Last evaluated: 2024-09-11. Review status: criteria provided, single submitter. Criteria: Ambry Variant Classification Scheme 2023. Collection method: clinical testing. Allele origin: germline.

Labcorp Genetics (formerly Invitae), Labcorp
Classification: Uncertain significance. Last evaluated: 2022-08-03. Review status: criteria provided, single submitter. Criteria: Invitae Variant Classification Sherloc (09022015). Collection method: clinical testing. Allele origin: germline.
Comment: This sequence change replaces aspartic acid, which is acidic and polar, with glycine, which is neutral and non-polar, at codon 1659 of the PCDH15 protein (p.Asp1659Gly). This variant is present in population databases (rs754402677, gnomAD 0.01%). This variant has not been reported in the literature in individuals affected with PCDH15-related conditions. ClinVar contains an entry for this variant (Variation ID: 1356270). Algorithms developed to predict the effect of missense changes on protein structure and function output the following: SIFT: "Tolerated"; PolyPhen-2: "Benign"; Align-GVGD: "Class C0". The glycine amino acid residue is found in multiple mammalian species, which suggests that this missense change does not adversely affect protein function. Algorithms developed to predict the effect of sequence changes on RNA splicing suggest that this variant is not likely to affect RNA splicing. In summary, the available evidence is currently insufficient to determine the role of this variant in disease. Therefore, it has been classified as a Variant of Uncertain Significance.

Women's Health and Genetics/Laboratory Corporation of America, LabCorp
Classification: Uncertain significance. Last evaluated: 2022-07-12. Review status: criteria provided, single submitter. Criteria: LabCorp Variant Classification Summary - May 2015. Collection method: clinical testing. Allele origin: germline.
Comment: Variant summary: PCDH15 c.4976A>G (p.Asp1659Gly) results in a non-conservative amino acid change in the encoded protein sequence. Four of five in-silico tools predict a benign effect of the variant on protein function. The variant allele was found at a frequency of 5.6e-05 in 251422 control chromosomes (gnomAD). This frequency is not significantly higher than expected for a pathogenic variant in PCDH15 causing Usher Syndrome Type 1F (5.6e-05 vs 0.0032), allowing no conclusion about variant significance. To our knowledge, no occurrence of c.4976A>G in individuals affected with Usher Syndrome Type 1F and no experimental evidence demonstrating its impact on protein function have been reported. One clinical diagnostic laboratory has submitted a clinical-significance assessment for this variant to ClinVar after 2014 without evidence for independent evaluation and classified the variant as uncertain significance. Based on the evidence outlined above, the variant was classified as uncertain significance.